The following is an entry in ClinVar:

NM_007327.4(GRIN1):c.1335C>T (p.Gly445=)

Gene: GRIN1 (glutamate ionotropic receptor NMDA type subunit 1; plus strand). Cytogenetic location: 9q34.3.
Variant type: single nucleotide variant.
Coding change: c.1335C>T on transcript NM_007327.4 (MANE Select); coding-DNA position 1335, C replaced by T.
Protein change: p.Gly445=; no amino-acid change (glycine 445 retained).
Molecular consequence: synonymous variant.
Genome position (GRCh38, 1-based): chr9:137,161,193, C>T. VCF-style: chr9-137161193-C-T. GRCh37 (hg19) VCF-style: chr9-140055645-C-T.
Other names: c.1335C>T, p.Gly445= (NM_000832.7, NM_021569.4); c.1398C>T, p.Gly466= (NM_001185090.2, NM_001185091.2).
Identifiers: ClinVar variation 833878 (VCV000833878.30), dbSNP rs370360183, ClinGen allele CA5360894.

ClinVar aggregate classification (germline): Benign/Likely benign. Review status: criteria provided, multiple submitters, no conflicts (2 of 4 stars). 2 submissions from 2 submitters: Benign (1); Likely benign (1). Last evaluated 2024-04-01.

Conditions:
Neurodevelopmental disorder with or without hyperkinetic movements and seizures, autosomal dominant. Also called: Intellectual disability, autosomal dominant 8. Identifiers: MedGen C3280282, MONDO:0013655, OMIM 614254.

Allele frequency attached by ClinVar (database versions not stated): ExAC 0.00001; gnomAD exomes 0.00001; TOPMed 0.00002; ESP Exome Variant Server 0.00008.
gnomAD v4.1: 11 of 1,610,086 alleles (0.00068%); highest among the groups gnomAD compares: Admixed American, 0.0017%; no homozygotes.

Submissions (2):

CeGaT Center for Human Genetics Tuebingen
Classification: Likely benign. Last evaluated: 2024-04-01. Review status: criteria provided, single submitter. Criteria: CeGaT Center For Human Genetics Tuebingen Variant Classification Criteria Version 2. Collection method: clinical testing. Allele origin: germline. Affected: yes. Observed: 1 variant allele.
Comment: GRIN1: BP4, BP7

Labcorp Genetics (formerly Invitae), Labcorp
Classification: Benign for Neurodevelopmental disorder with or without hyperkinetic movements and seizures, autosomal dominant. Last evaluated: 2022-09-07. Review status: criteria provided, single submitter. Criteria: Invitae Variant Classification Sherloc (09022015). Collection method: clinical testing. Allele origin: germline.